The following is an entry in ClinVar:

NM_001206998.2(ZNRF3):c.1783G>A (p.Asp595Asn)

Gene: ZNRF3 (zinc and ring finger 3; plus strand). Cytogenetic location: 22q12.1.
Variant type: single nucleotide variant.
Coding change: c.1783G>A on transcript NM_001206998.2 (MANE Select); coding-DNA position 1783, G replaced by A.
Protein change: p.Asp595Asn; replaces aspartic acid 595 with asparagine.
Molecular consequence: missense variant.
Genome position (GRCh38, 1-based): chr22:29,049,964, G>A. VCF-style: chr22-29049964-G-A. GRCh37 (hg19) VCF-style: chr22-29445952-G-A.
Other names: c.1483G>A, p.Asp495Asn (NM_032173.4); short protein forms D495N, D595N.
Identifiers: ClinVar variation 5008796 (VCV005008796.1).

ClinVar aggregate classification (germline): Uncertain significance (1 of 4 stars; one submission).

Submission:

GeneDx
Classification: Uncertain significance. Last evaluated: 2026-03-08. Review status: criteria provided, single submitter. Criteria: GeneDx Variant Classification Process June 2021. Collection method: clinical testing. Allele origin: germline.
Comment: In silico analysis supports that this missense variant has a deleterious effect on protein structure/function; Has not been previously published as pathogenic or benign to our knowledge